The following is an entry in ClinVar:

NM_003072.5(SMARCA4):c.1974A>G (p.Glu658=)

Gene: SMARCA4 (SWI/SNF related BAF chromatin remodeling complex subunit ATPase 4; plus strand). Cytogenetic location: 19p13.2.
Variant type: single nucleotide variant.
Coding change: c.1974A>G on transcript NM_003072.5 (MANE Select); coding-DNA position 1974, A replaced by G.
Protein change: p.Glu658=; no amino-acid change (glutamic acid 658 retained).
Molecular consequence: synonymous variant. On other transcripts: non-coding transcript variant (1).
Genome position (GRCh38, 1-based): chr19:11,003,370, A>G. VCF-style: chr19-11003370-A-G. GRCh37 (hg19) VCF-style: chr19-11114046-A-G.
Other names: c.1974A>G, p.Glu658= (NM_001128844.3, NM_001128845.2, NM_001128846.2 and 5 more transcripts).
Identifiers: ClinVar variation 470272 (VCV000470272.41), dbSNP rs1256168562, ClinGen allele CA505486468.

ClinVar aggregate classification (germline): Benign/Likely benign. Review status: criteria provided, multiple submitters, no conflicts (2 of 4 stars). 5 submissions from 5 submitters: Benign (1); Likely benign (4). Last evaluated 2026-07-10.

Conditions:
SMARCA4-related disorder. Also called: SMARCA4-related condition.
Hereditary cancer-predisposing syndrome. Also called: Hereditary Cancer Syndrome; Hereditary neoplastic syndrome; Neoplastic Syndromes, Hereditary; Tumor predisposition. Identifiers: Orphanet 140162, MedGen C0027672, MeSH D009386, MONDO:0015356.
Rhabdoid tumor predisposition syndrome 2 (RTPS2). Identifiers: Orphanet 231108, Orphanet 69077, MedGen C2750074, MONDO:0013224, OMIM 613325.

Allele frequency attached by ClinVar (database versions not stated): gnomAD 0.00001 and 0.00002; TOPMed 0.00001.
gnomAD v4.1: 7 of 1,614,026 alleles (0.00043%); highest among the groups gnomAD compares: East Asian, 0.0045%; no homozygotes.

Submissions (5):

Myriad Genetics, Inc.
Classification: Benign for Rhabdoid tumor predisposition syndrome 2. Last evaluated: 2026-07-10. Review status: criteria provided, single submitter. Criteria: Myriad Autosomal Dominant, Autosomal Recessive and X-Linked Classification Criteria (2023). Collection method: clinical testing. Allele origin: unknown.
Comment: This variant is considered benign. This variant is a silent/synonymous amino acid change and it is not expected to impact splicing.

PreventionGenetics, part of Exact Sciences
Classification: Likely benign for SMARCA4-related condition. Last evaluated: 2026-05-12. Review status: criteria provided, single submitter. Criteria: ACMG Guidelines, 2015. Collection method: clinical testing. Allele origin: germline.
Comment: This variant is classified as likely benign based on ACMG/AMP sequence variant interpretation guidelines (Richards et al. 2015 PMID: 25741868, with internal and published modifications).

Labcorp Genetics (formerly Invitae), Labcorp
Classification: Likely benign for Rhabdoid tumor predisposition syndrome 2. Last evaluated: 2025-08-18. Review status: criteria provided, single submitter. Criteria: Invitae Variant Classification Sherloc (09022015). Collection method: clinical testing. Allele origin: germline.

CeGaT Center for Human Genetics Tuebingen
Classification: Likely benign. Last evaluated: 2025-03-01. Review status: criteria provided, single submitter. Criteria: CeGaT Center For Human Genetics Tuebingen Variant Classification Criteria Version 2. Collection method: clinical testing. Allele origin: germline. Affected: yes. Observed: 2 variant alleles.
Comment: SMARCA4: BP4, BP7

Ambry Genetics
Classification: Likely benign for Hereditary cancer-predisposing syndrome. Last evaluated: 2016-07-18. Review status: criteria provided, single submitter. Criteria: Ambry Variant Classification Scheme 2023. Collection method: clinical testing. Allele origin: germline.